The following is an entry in ClinVar:

NM_001148.6(ANK2):c.6970C>G (p.Gln2324Glu)

Genes: ANK2 (ankyrin 2; plus strand), LOC126807137 (CDK7 strongly-dependent group 2 enhancer GRCh37_chr4:114276560-114277759; plus strand). Cytogenetic location: 4q26.
Variant type: single nucleotide variant.
Coding change: c.6970C>G on transcript NM_001148.6 (MANE Select); coding-DNA position 6970, C replaced by G.
Protein change: p.Gln2324Glu; replaces glutamine 2324 with glutamic acid.
Molecular consequence: missense variant. On other transcripts: intron variant (68).
Genome position (GRCh38, 1-based): chr4:113,355,588, C>G. VCF-style: chr4-113355588-C-G. GRCh37 (hg19) VCF-style: chr4-114276744-C-G.
Other names: c.6736C>G, p.Gln2246Glu (NM_001386142.1); c.3370C>G, p.Gln1124Glu (NM_001386166.1); c.7111C>G, p.Gln2371Glu (NM_001386174.1); c.7087C>G, p.Gln2363Glu (NM_001386175.1); c.4412-5235C>G (NM_001386186.2, NM_001386148.2); c.4214-5235C>G (NM_001354269.3); c.4292-5235C>G (NM_001386187.2); c.4253-5235C>G (NM_001386147.1); and 35 more; short protein forms Q2324E, Q1124E, Q2246E, Q2363E, Q2371E.
Identifiers: ClinVar variation 576170 (VCV000576170.6), dbSNP rs758842014, ClinGen allele CA357928914.
Genomic context (GRCh38, chr4:113,355,588, plus strand): 5'-ACTGAGAGTTTTCAGAAAGAGGCCACTCTAGGCTCTCCCAAAGACACAAGCCCTAAAAGA[C>G]AAGATGATTGCACAGGCAGCTGTAGTGTAGCATTAGCTAAAGAGACACCTACAGGACTGA-3'
Protein context (NP_001139.3, residues 2314-2334): GSPKDTSPKR[Gln2324Glu]DDCTGSCSVA

ClinVar aggregate classification (germline): Uncertain significance (1 of 4 stars; one submission).

Conditions:
Long QT syndrome (LQTS). Identifiers: MedGen C0023976, MeSH D008133, MONDO:0002442. Disease mechanism: loss of function. Inheritance: Various modes of inheritance.

Submission:

Labcorp Genetics (formerly Invitae), Labcorp
Classification: Uncertain significance for Long QT syndrome. Last evaluated: 2024-02-24. Review status: criteria provided, single submitter. Criteria: Invitae Variant Classification Sherloc (09022015). Collection method: clinical testing. Allele origin: germline.
Comment: This sequence change replaces glutamine, which is neutral and polar, with glutamic acid, which is acidic and polar, at codon 2324 of the ANK2 protein (p.Gln2324Glu). This variant is not present in population databases (gnomAD no frequency). This variant has not been reported in the literature in individuals affected with ANK2-related conditions. ClinVar contains an entry for this variant (Variation ID: 576170). Algorithms developed to predict the effect of missense changes on protein structure and function output the following: SIFT: "Not Available"; PolyPhen-2: "Benign"; Align-GVGD: "Not Available". The glutamic acid amino acid residue is found in multiple mammalian species, which suggests that this missense change does not adversely affect protein function. In summary, the available evidence is currently insufficient to determine the role of this variant in disease. Therefore, it has been classified as a Variant of Uncertain Significance.